The following is an entry in ClinVar:

ClinVar aggregate classification (germline): Likely pathogenic (1 of 4 stars; one submission).

Conditions:
Hypertrophic cardiomyopathy. Also called: HYPERTROPHIC MYOCARDIOPATHY. Identifiers: Orphanet 217569, MedGen C0007194, MeSH D002312, MONDO:0005045, HP:0001639.

Submission:

Labcorp Genetics (formerly Invitae), Labcorp
Classification: Likely pathogenic for Hypertrophic cardiomyopathy. Last evaluated: 2025-03-30. Review status: criteria provided, single submitter. Criteria: Invitae Variant Classification Sherloc (09022015). Collection method: clinical testing. Allele origin: germline.
Comment: This sequence change replaces glycine, which is neutral and non-polar, with arginine, which is basic and polar, at codon 398 of the MYH7 protein (p.Gly398Arg). This variant is not present in population databases (gnomAD no frequency). This variant has not been reported in the literature in individuals affected with MYH7-related conditions. ClinVar contains an entry for this variant (Variation ID: 2794879). Invitae Evidence Modeling of protein sequence and biophysical properties (such as structural, functional, and spatial information, amino acid conservation, physicochemical variation, residue mobility, and thermodynamic stability) indicates that this missense variant is expected to disrupt MYH7 protein function with a positive predictive value of 95%. This variant disrupts the p.Gly398 amino acid residue in MYH7. Other variant(s) that disrupt this residue have been determined to be pathogenic (PMID: 18533079, 27247418). This suggests that this residue is clinically significant, and that variants that disrupt this residue are likely to be disease-causing. In summary, the currently available evidence indicates that the variant is pathogenic, but additional data are needed to prove that conclusively. Therefore, this variant has been classified as Likely Pathogenic.

Literature cited by the submitters: PubMed 18533079; PubMed 27247418.

NM_000257.4(MYH7):c.1192G>A (p.Gly398Arg)

Gene: MYH7 (myosin heavy chain 7; minus strand). Cytogenetic location: 14q11.2.
Variant type: single nucleotide variant.
Coding change: c.1192G>A on transcript NM_000257.4 (MANE Select); coding-DNA position 1192, G replaced by A.
Protein change: p.Gly398Arg; replaces glycine 398 with arginine.
Molecular consequence: missense variant.
Genome position (GRCh38, 1-based): chr14:23,429,294, C>T on the plus strand (G>A on the coding strand, the complement: MYH7 is on the minus strand). VCF-style: chr14-23429294-C-T. GRCh37 (hg19) VCF-style: chr14-23898503-C-T.
Other names: c.1192G>A, p.Gly398Arg (NM_001407004.1); short protein forms G398R.
Identifiers: ClinVar variation 2794879 (VCV002794879.3), dbSNP rs2502303287, ClinGen allele CA389051152.